The following is an entry in ClinVar:

ClinVar aggregate classification (germline): Likely pathogenic (1 of 4 stars; one submission).

Conditions:
Congenital hyperammonemia, type I. Also called: Carbamoyl phosphate synthetase 1 deficiency; Hyperammonemia due to carbamoyl phosphate synthetase 1 deficiency; CPS 1 deficiency; Carbamyl phosphate synthetase (CPS) deficiency; CPS I DEFICIENCY; Carbamoyl-phosphate synthase I deficiency. Identifiers: Orphanet 147, MedGen C4082171, MONDO:0009376, OMIM 237300.

Submission:

Myriad Genetics, Inc.
Classification: Likely pathogenic for Congenital hyperammonemia, type I. Last evaluated: 2021-12-03. Review status: criteria provided, single submitter. Criteria: Myriad Women's Health Autosomal Recessive and X-Linked Classification Criteria (2021). Collection method: clinical testing. Allele origin: unknown.
Comment: NM_001875.4(CPS1):c.1826_1827delTC(L609Qfs*26) is expected to be pathogenic in the context of carbamoylphosphate synthetase I deficiency. This variant is predicted to lead to an abnormal or absent protein product due to the creation of a premature termination codon in CPS1, a gene where loss-of-function variants are known to be pathogenic. Please note: this variant was assessed in the context of healthy population screening.

NM_001875.5(CPS1):c.1826_1827del (p.Leu609fs)

Gene: CPS1 (carbamoyl-phosphate synthase 1; plus strand). Cytogenetic location: 2q34.
Variant type: Deletion.
Coding change: c.1826_1827del on transcript NM_001875.5 (MANE Select); coding-DNA positions 1826 to 1827, 2 bases deleted (TC; older notation c.1826_1827delTC).
Protein change: p.Leu609fs; shifts the reading frame from leucine 609.
Molecular consequence: frameshift variant. On other transcripts: non-coding transcript variant (2).
Genome position (GRCh38, 1-based): chr2:210,602,320-210,602,321, TC deleted; deleting any 2 consecutive bases within chr2:210,602,319-210,602,321 gives the same sequence; the c. name uses the placement nearest the transcript's 3' end. VCF-style (leftmost placement, unchanged base first): chr2-210602318-CCT-C. GRCh37 (hg19) VCF-style: chr2-211467042-CCT-C.
Other names: c.1826_1827del, p.Leu609fs (NM_001122633.3, NM_001369257.1); c.1859_1860del, p.Leu620fs (NM_001369256.1); short protein forms L609fs, L620fs.
Identifiers: ClinVar variation 1725534 (VCV001725534.2), dbSNP rs2469156053, ClinGen allele CA2580065565.